The following is an entry in ClinVar:

ClinVar aggregate classification (germline): Pathogenic/Likely pathogenic. Review status: criteria provided, multiple submitters, no conflicts (2 of 4 stars). 3 submissions from 3 submitters: Pathogenic (1); Likely pathogenic (1). 1 of the submissions does not count toward it. Last evaluated 2025-10-16.

Conditions:
GM1 gangliosidosis type 3. Also called: GANGLIOSIDOSIS, GENERALIZED GM1, ADULT TYPE; GANGLIOSIDOSIS, GENERALIZED GM1, CHRONIC TYPE; GANGLIOSIDOSIS, GENERALIZED GM1, TYPE III; GM1-GANGLIOSIDOSIS, TYPE III; Beta-galactosidase deficiency; Adult GM1 gangliosidosis. Identifiers: Orphanet 79257, MedGen C0268273, MONDO:0009262, OMIM 230650.
GM1 gangliosidosis type 2. Also called: GANGLIOSIDOSIS, GENERALIZED GM1, JUVENILE TYPE; GANGLIOSIDOSIS, GENERALIZED GM1, TYPE II; GM1-GANGLIOSIDOSIS, TYPE II; Juvenile GM>1< gangliosidosis; Gangliosidosis, Generalized GM1, Type 2. Identifiers: Orphanet 354, Orphanet 79256, MedGen C0268272, MONDO:0009261, OMIM 230600.
Infantile GM1 gangliosidosis. Also called: GM1 gangliosidosis type 1; GM1-gangliosidosis, type I; Gangliosidosis, generalized GM1, infantile form; GLB1 deficiency; Gangliosidosis, Generalized GM1, Type 1. Identifiers: Orphanet 354, Orphanet 79255, MedGen C0268271, MONDO:0009260, OMIM 230500.
Mucopolysaccharidosis, MPS-IV-B (MPS4B). Also called: Mucopolysaccharidosis type 4B; Mucopolysaccharidosis Type IVB (Morquio B Disease); MORQUIO SYNDROME B; Mucopolysaccharidosis type IVB (Morquio); MPS IVB; Mucopolysaccharidosis type IV B. Identifiers: Orphanet 309310, Orphanet 582, MedGen C0086652, MONDO:0009660, OMIM 253010.
GM1 gangliosidosis. Identifiers: Orphanet 354, MedGen C0085131, MONDO:0018149.

Allele frequency attached by ClinVar (database versions not stated): gnomAD 0.00001.
gnomAD v4.1: 2 of 1,614,016 alleles (0.00012%); highest among the groups gnomAD compares: Admixed American, 0.0017%; no homozygotes.

Submissions (3):

Women's Health and Genetics/Laboratory Corporation of America, LabCorp
Classification: Likely pathogenic for Mucopolysaccharidosis, MPS-IV-B. Last evaluated: 2025-10-16. Review status: criteria provided, single submitter. Criteria: LabCorp Variant Classification Summary - May 2015. Collection method: clinical testing. Allele origin: germline.
Comment: Variant summary: GLB1 c.1454A>G (p.Tyr485Cys) results in a non-conservative amino acid change located in the Beta-galactosidase 1-like , first all-beta domain (IPR048912) of the encoded protein sequence. Algorithms developed to predict the effect of missense changes on protein structure and function all suggest that this variant is likely to be disruptive. The variant was absent in 249586 control chromosomes. The available data on variant occurrences in the general population are insufficient to allow any conclusion about variant significance. c.1454A>G has been observed in individual(s) affected with Mucopolysaccharidosis Type IVB (Morquio Syndrome B) (Lei_2012, MacCarrick_2024). These data do not allow any conclusion about variant significance. To our knowledge, no experimental evidence demonstrating an impact on protein function has been reported. The following publications have been ascertained in the context of this evaluation (PMID: 23151865, 38702915, 38313286, 34539759, 29396849, 28595941). ClinVar contains an entry for this variant (Variation ID: 555363). Based on the evidence outlined above, the variant was classified as likely pathogenic.

Labcorp Genetics (formerly Invitae), Labcorp
Classification: Pathogenic for Mucopolysaccharidosis, MPS-IV-B; GM1 gangliosidosis. Last evaluated: 2023-12-07. Review status: criteria provided, single submitter. Criteria: Invitae Variant Classification Sherloc (09022015). Collection method: clinical testing. Allele origin: germline.
Comment: This sequence change replaces tyrosine, which is neutral and polar, with cysteine, which is neutral and slightly polar, at codon 485 of the GLB1 protein (p.Tyr485Cys). This variant is not present in population databases (gnomAD no frequency). This missense change has been observed in individual(s) with Morquio B disease (PMID: 23151865). In at least one individual the data is consistent with being in trans (on the opposite chromosome) from a pathogenic variant. ClinVar contains an entry for this variant (Variation ID: 555363). Advanced modeling of protein sequence and biophysical properties (such as structural, functional, and spatial information, amino acid conservation, physicochemical variation, residue mobility, and thermodynamic stability) performed at Invitae indicates that this missense variant is expected to disrupt GLB1 protein function with a positive predictive value of 95%. For these reasons, this variant has been classified as Pathogenic.

Counsyl
Classification: Uncertain significance for Infantile GM1 gangliosidosis; GM1 gangliosidosis type 2; GM1 gangliosidosis type 3; Mucopolysaccharidosis, MPS-IV-B. Last evaluated: 2017-12-07. Review status: no assertion criteria provided. Collection method: clinical testing. Allele origin: unknown. Not counted in ClinVar's aggregate classification.

Literature cited by the submitters: PubMed 28595941 (cited by Women's Health and Genetics/Laboratory Corporation of America, LabCorp); PubMed 23151865 (cited by 3 submitters); PubMed 38313286 (cited by Women's Health and Genetics/Laboratory Corporation of America, LabCorp); PubMed 38702915 (cited by Women's Health and Genetics/Laboratory Corporation of America, LabCorp); PubMed 34539759 (cited by Women's Health and Genetics/Laboratory Corporation of America, LabCorp); PubMed 29396849 (cited by Women's Health and Genetics/Laboratory Corporation of America, LabCorp).

NM_000404.4(GLB1):c.1454A>G (p.Tyr485Cys)

Gene: GLB1 (galactosidase beta 1; minus strand). Cytogenetic location: 3p22.3.
Variant type: single nucleotide variant.
Coding change: c.1454A>G on transcript NM_000404.4 (MANE Select); coding-DNA position 1454, A replaced by G.
Protein change: p.Tyr485Cys; replaces tyrosine 485 with cysteine.
Molecular consequence: missense variant.
Genome position (GRCh38, 1-based): chr3:33,016,734, T>C on the plus strand (A>G on the coding strand, the complement: GLB1 is on the minus strand). VCF-style: chr3-33016734-T-C. GRCh37 (hg19) VCF-style: chr3-33058226-T-C.
Other names: c.1364A>G, p.Tyr455Cys (NM_001079811.3); c.1061A>G, p.Tyr354Cys (NM_001135602.3); c.1598A>G, p.Tyr533Cys (NM_001317040.2); c.1454A>G, p.Tyr485Cys (NM_001393580.1); short protein forms Y485C, Y533C, Y354C, Y455C.
Identifiers: ClinVar variation 555363 (VCV000555363.11), dbSNP rs1553606400, ClinGen allele CA351988716.